The following is an entry in ClinVar:

ClinVar aggregate classification (germline): Likely pathogenic (1 of 4 stars; one submission).

gnomAD v4.1: 2 of 1,550,486 alleles (0.00013%); highest among the groups gnomAD compares: Non-Finnish European, 0.00017%; no homozygotes.

Submission:

GeneDx
Classification: Likely pathogenic. Last evaluated: 2017-12-08. Review status: criteria provided, single submitter. Criteria: GeneDx Variant Classification (06012015). Collection method: clinical testing. Allele origin: germline. Affected: yes.
Comment: The Y347X nonsense variant is predicted to cause loss of normal protein function either through protein truncation or nonsense-mediated mRNA decay. The variant is not observed at a significant frequency in large population cohorts (Lek et al., 2016). Although this variant has not been reported previously to our knowledge, we consider it to be likely pathogenic.

NM_001292063.2(OTOG):c.1005C>G (p.Tyr335Ter)

Gene: OTOG (otogelin; plus strand). Cytogenetic location: 11p15.1.
Variant type: single nucleotide variant.
Coding change: c.1005C>G on transcript NM_001292063.2 (MANE Select); coding-DNA position 1005, C replaced by G.
Protein change: p.Tyr335Ter; replaces tyrosine 335 with a stop codon.
Molecular consequence: nonsense.
Genome position (GRCh38, 1-based): chr11:17,558,546, C>G. VCF-style: chr11-17558546-C-G. GRCh37 (hg19) VCF-style: chr11-17580093-C-G.
Other names: c.1041C>G, p.Tyr347Ter (NM_001277269.2); short protein forms Y347*, Y335*.
Identifiers: ClinVar variation 489156 (VCV000489156.2), dbSNP rs577674003, ClinGen allele CA379815672.